The following is an entry in ClinVar:

NM_002890.3(RASA1):c.2086A>T (p.Ile696Leu)

Genes: CCNH (cyclin H; minus strand), RASA1 (RAS p21 protein activator 1; plus strand). Cytogenetic location: 5q14.3.
Variant type: single nucleotide variant.
Coding change: c.2086A>T on transcript NM_002890.3 (MANE Select); coding-DNA position 2086, A replaced by T.
Protein change: p.Ile696Leu; replaces isoleucine 696 with leucine.
Molecular consequence: missense variant. On other transcripts: intron variant (1).
Genome position (GRCh38, 1-based): chr5:87,376,467, A>T. VCF-style: chr5-87376467-A-T. GRCh37 (hg19) VCF-style: chr5-86672284-A-T.
Other names: c.1555A>T, p.Ile519Leu (NM_022650.3); c.933+18577T>A (NM_001364075.2); short protein forms I696L, I519L.
Identifiers: ClinVar variation 4725940 (VCV004725940.1).

ClinVar aggregate classification (germline): Uncertain significance (1 of 4 stars; one submission).

Conditions:
Capillary malformation-arteriovenous malformation syndrome. Also called: Capillary malformation-arteriovenous malformation. Identifiers: Orphanet 137667, MedGen C1842180, MONDO:0012016.

gnomAD v4.1: 1 of 1,614,056 alleles (0.000062%); highest among the groups gnomAD compares: Admixed American, 0.0017%; no homozygotes.

Submission:

Labcorp Genetics (formerly Invitae), Labcorp
Classification: Uncertain significance for Capillary malformation-arteriovenous malformation syndrome. Last evaluated: 2025-08-24. Review status: criteria provided, single submitter. Criteria: Invitae Variant Classification Sherloc (09022015). Collection method: clinical testing. Allele origin: germline.
Comment: This sequence change replaces isoleucine, which is neutral and non-polar, with leucine, which is neutral and non-polar, at codon 696 of the RASA1 protein (p.Ile696Leu). This variant is present in population databases (no rsID available, gnomAD 0.003%). This variant has not been reported in the literature in individuals affected with RASA1-related conditions. An algorithm developed to predict the effect of missense changes on protein structure and function (PolyPhen-2) suggests that this variant is likely to be tolerated. In summary, the available evidence is currently insufficient to determine the role of this variant in disease. Therefore, it has been classified as a Variant of Uncertain Significance.